The following is an entry in ClinVar:

ClinVar aggregate classification (germline): Uncertain significance (1 of 4 stars; one submission).

Conditions:
Propionic acidemia (PROP). Also called: GLYCINEMIA, KETOTIC; HYPERGLYCINEMIA WITH KETOACIDOSIS AND LEUKOPENIA; KETOTIC HYPERGLYCINEMIA. Identifiers: Orphanet 35, MedGen C0268579, MONDO:0011628, OMIM 606054, HP:0003571.

Submission:

Labcorp Genetics (formerly Invitae), Labcorp
Classification: Uncertain significance for Propionic acidemia. Last evaluated: 2022-06-09. Review status: criteria provided, single submitter. Criteria: Invitae Variant Classification Sherloc (09022015). Collection method: clinical testing. Allele origin: germline.
Comment: This sequence change replaces glycine, which is neutral and non-polar, with alanine, which is neutral and non-polar, at codon 393 of the PCCA protein (p.Gly393Ala). This variant is not present in population databases (gnomAD no frequency). This variant has not been reported in the literature in individuals affected with PCCA-related conditions. Advanced modeling of protein sequence and biophysical properties (such as structural, functional, and spatial information, amino acid conservation, physicochemical variation, residue mobility, and thermodynamic stability) performed at Invitae indicates that this missense variant is expected to disrupt PCCA protein function. In summary, the available evidence is currently insufficient to determine the role of this variant in disease. Therefore, it has been classified as a Variant of Uncertain Significance.

NM_000282.4(PCCA):c.1178G>C (p.Gly393Ala)

Gene: PCCA (propionyl-CoA carboxylase subunit alpha; plus strand). Cytogenetic location: 13q32.3.
Variant type: single nucleotide variant.
Coding change: c.1178G>C on transcript NM_000282.4 (MANE Select); coding-DNA position 1178, G replaced by C.
Protein change: p.Gly393Ala; replaces glycine 393 with alanine.
Molecular consequence: missense variant. On other transcripts: non-coding transcript variant (5), intron variant (3).
Genome position (GRCh38, 1-based): chr13:100,301,572, G>C. VCF-style: chr13-100301572-G-C. GRCh37 (hg19) VCF-style: chr13-100953826-G-C.
Other names: c.1178G>C, p.Gly393Ala (NM_001352609.2, NM_001178004.2, NM_001352605.2); c.1100G>C, p.Gly367Ala (NM_001127692.3, NM_001352607.2); c.233G>C, p.Gly78Ala (NM_001352610.2, NM_001352611.2); c.1066-1352G>C (NM_001352606.2); c.121-1352G>C (NM_001352612.2); c.988-1352G>C (NM_001352608.2); short protein forms G393A, G78A, G367A.
Identifiers: ClinVar variation 2003723 (VCV002003723.4), dbSNP rs2548113938, ClinGen allele CA388695335.
Genomic context (GRCh38, chr13:100,301,572, plus strand): 5'-TGATCCGTGTTGCTAAGGGCTACCCTCTCAGGCACAAACAAGCTGATATTCGCATCAACG[G>C]CTGGGCAGTTGAATGTCGGGTTTATGCTGAGGTAAAATGAATGGTGTTGGGAGGAAGGAT-3'
Protein context (NP_000273.2, residues 383-403): RHKQADIRIN[Gly393Ala]WAVECRVYAE